The following is an entry in ClinVar:

ClinVar aggregate classification (germline): Uncertain significance (1 of 4 stars; one submission).

Conditions:
Inborn genetic diseases. Identifiers: MedGen C0950123, MeSH D030342.

Submission:

Ambry Genetics
Classification: Uncertain significance for Inborn genetic diseases. Last evaluated: 2021-10-21. Review status: criteria provided, single submitter. Criteria: Ambry Variant Classification Scheme 2023. Collection method: clinical testing. Allele origin: germline.
Comment: The p.Q457P variant (also known as c.1370A>C), located in coding exon 10 of the BUB1B gene, results from an A to C substitution at nucleotide position 1370. The glutamine at codon 457 is replaced by proline, an amino acid with similar properties. This amino acid position is conserved. In addition, the in silico prediction for this alteration is inconclusive. Since supporting evidence is limited at this time, the clinical significance of this alteration remains unclear.

NM_001211.6(BUB1B):c.1370A>C (p.Gln457Pro)

Gene: BUB1B (BUB1 mitotic checkpoint serine/threonine kinase B; plus strand). Cytogenetic location: 15q15.1.
Variant type: single nucleotide variant.
Coding change: c.1370A>C on transcript NM_001211.6 (MANE Select); coding-DNA position 1370, A replaced by C.
Protein change: p.Gln457Pro; replaces glutamine 457 with proline.
Molecular consequence: missense variant.
Genome position (GRCh38, 1-based): chr15:40,199,696, A>C. VCF-style: chr15-40199696-A-C. GRCh37 (hg19) VCF-style: chr15-40491897-A-C.
Other names: short protein forms Q457P.
Identifiers: ClinVar variation 1771025 (VCV001771025.2), dbSNP rs2542554935, ClinGen allele CA391689097.
Genomic context (GRCh38, chr15:40,199,696, plus strand): 5'-AGAAGAGAGCAGAAATGCAGAAACAGATTGAAGAGATGGAGAAGAAGCTAAAAGAAATCC[A>C]AACTACTCAGCAAGAAAGAACAGGTGATCAGGTAATTTTTCTTTTTTCATACACAAAACT-3'
Protein context (NP_001202.5, residues 447-467): EEMEKKLKEI[Gln457Pro]TTQQERTGDQ